The following is an entry in ClinVar:

NM_207341.4(ZP1):c.628C>T (p.Gln210Ter)

Gene: ZP1 (zona pellucida glycoprotein 1; plus strand). Cytogenetic location: 11q12.2.
Variant type: single nucleotide variant.
Coding change: c.628C>T on transcript NM_207341.4 (MANE Select); coding-DNA position 628, C replaced by T.
Protein change: p.Gln210Ter; replaces glutamine 210 with a stop codon.
Molecular consequence: nonsense.
Genome position (GRCh38, 1-based): chr11:60,869,846, C>T. VCF-style: chr11-60869846-C-T. GRCh37 (hg19) VCF-style: chr11-60637319-C-T.
Other names: short protein forms Q210*.
Identifiers: ClinVar variation 2065331 (VCV002065331.1), dbSNP rs776515172, ClinGen allele CA6027334.

ClinVar aggregate classification (germline): Pathogenic (1 of 4 stars; one submission).

Allele frequency attached by ClinVar (database versions not stated): gnomAD 0.00001; TOPMed 0.00001; ExAC 0.00002.
gnomAD v4.1: 65 of 1,599,568 alleles (0.0041%); highest among the groups gnomAD compares: Non-Finnish European, 0.0049%; no homozygotes.

Submission:

Labcorp Genetics (formerly Invitae), Labcorp
Classification: Pathogenic. Last evaluated: 2017-11-02. Review status: criteria provided, single submitter. Criteria: Invitae Variant Classification Sherloc (09022015). Collection method: clinical testing. Allele origin: germline.
Comment: This sequence change creates a premature translational stop signal (p.Gln210*) in the ZP1 gene. It is expected to result in an absent or disrupted protein product. This variant is present in population databases (rs776515172, ExAC 0.003%). This variant has not been reported in the literature in individuals with ZP1-related disease. Loss-of-function variants in ZP1 are known to be pathogenic (PMID: 24670168, 28577617). For these reasons, this variant has been classified as Pathogenic.

Literature cited by the submitters: PubMed 24670168; PubMed 28577617.